The following is an entry in ClinVar:

NM_001206927.2(DNAH8):c.983A>G (p.Lys328Arg)

Gene: DNAH8 (dynein axonemal heavy chain 8; plus strand). Cytogenetic location: 6p21.2.
Variant type: single nucleotide variant.
Coding change: c.983A>G on transcript NM_001206927.2 (MANE Select); coding-DNA position 983, A replaced by G.
Protein change: p.Lys328Arg; replaces lysine 328 with arginine.
Molecular consequence: missense variant.
Genome position (GRCh38, 1-based): chr6:38,737,839, A>G. VCF-style: chr6-38737839-A-G. GRCh37 (hg19) VCF-style: chr6-38705615-A-G.
Other names: c.332A>G, p.Lys111Arg (NM_001371.4); short protein forms K328R, K111R.
Identifiers: ClinVar variation 664166 (VCV000664166.9), dbSNP rs1582867594, ClinGen allele CA363986898.

ClinVar aggregate classification (germline): Uncertain significance (1 of 4 stars; one submission).

Conditions:
Primary ciliary dyskinesia. Also called: Ciliary dyskinesia. Identifiers: Orphanet 244, MedGen C0008780, MONDO:0016575, HP:0012265.

Submission:

Labcorp Genetics (formerly Invitae), Labcorp
Classification: Uncertain significance for Primary ciliary dyskinesia. Last evaluated: 2018-11-19. Review status: criteria provided, single submitter. Criteria: Invitae Variant Classification Sherloc (09022015). Collection method: clinical testing. Allele origin: germline.
Comment: In summary, the available evidence is currently insufficient to determine the role of this variant in disease. Therefore, it has been classified as a Variant of Uncertain Significance. Algorithms developed to predict the effect of missense changes on protein structure and function are either unavailable or do not agree on the potential impact of this missense change (SIFT: "Tolerated"; PolyPhen-2: "Not Available"; Align-GVGD: "Class C0"). This variant is not present in population databases (ExAC no frequency). This sequence change replaces lysine with arginine at codon 328 of the DNAH8 protein (p.Lys328Arg). The lysine residue is weakly conserved and there is a small physicochemical difference between lysine and arginine.